The following is an entry in ClinVar:

NM_007129.5(ZIC2):c.389C>A (p.Ala130Glu)

Gene: ZIC2 (Zic family member 2; plus strand). Cytogenetic location: 13q32.3.
Variant type: single nucleotide variant.
Coding change: c.389C>A on transcript NM_007129.5 (MANE Select); coding-DNA position 389, C replaced by A.
Protein change: p.Ala130Glu; replaces alanine 130 with glutamic acid.
Molecular consequence: missense variant.
Genome position (GRCh38, 1-based): chr13:99,982,453, C>A. VCF-style: chr13-99982453-C-A. GRCh37 (hg19) VCF-style: chr13-100634707-C-A.
Other names: short protein forms A130E.
Identifiers: ClinVar variation 3361289 (VCV003361289.1).

ClinVar aggregate classification (germline): Uncertain significance (1 of 4 stars; one submission).

Submission:

GeneDx
Classification: Uncertain significance. Last evaluated: 2023-07-18. Review status: criteria provided, single submitter. Criteria: GeneDx Variant Classification Process June 2021. Collection method: clinical testing. Allele origin: germline. Affected: yes.
Comment: Not observed at significant frequency in large population cohorts (gnomAD); In silico analysis supports that this missense variant does not alter protein structure/function; Has not been previously published as pathogenic or benign to our knowledge